The following is an entry in ClinVar:

NM_025137.4:c.(5866+1_5867-1)_(6477+1_6478-1)del

Gene: SPG11 (SPG11 vesicle trafficking associated, spatacsin; minus strand).
Variant type: Deletion.
Other names: c.(5866+1_5867-1)_(6477+1_6478-1)del (NM_025137.4).
Identifiers: ClinVar variation 1325833 (VCV001325833.1).

ClinVar aggregate classification (germline): Pathogenic (1 of 4 stars; one submission).

Conditions:
Hereditary spastic paraplegia 11. Also called: Spastic paraplegia, mental retardation and thin corpus callosum; SPASTIC PARAPLEGIA, AUTOSOMAL RECESSIVE, COMPLICATED, WITH THIN CORPUS CALLOSUM; SPASTIC PARAPLEGIA, AUTOSOMAL RECESSIVE, WITH MENTAL IMPAIRMENT AND THIN CORPUS CALLOSUM; Spastic Paraplegia 11; Nakamura Osame syndrome; Autosomal recessive hereditary spastic paraplegia, mental impairment, and thin corpus callosum. Identifiers: Orphanet 2822, MedGen C1858479, MONDO:0011445, OMIM 604360.

Submission:

Institute of Human Genetics, University of Leipzig Medical Center
Classification: Pathogenic for Hereditary spastic paraplegia 11. Last evaluated: 2021-11-16. Review status: criteria provided, single submitter. Criteria: ACMG Guidelines, 2015. Collection method: clinical testing. Allele origin: maternal. Affected: yes.
Comment: This variant was identified as compound heterozygous with NM_025137.4:c.4790G>A._x000D_ Criteria applied: PVS1, PM3, PM2_SUP